The following is an entry in ClinVar:

NM_138817.3(SLC7A13):c.844C>T (p.Arg282Ter)

Gene: SLC7A13 (solute carrier family 7 member 13; minus strand). Cytogenetic location: 8q21.3.
Variant type: single nucleotide variant.
Coding change: c.844C>T on transcript NM_138817.3 (MANE Select); coding-DNA position 844, C replaced by T.
Protein change: p.Arg282Ter; replaces arginine 282 with a stop codon.
Molecular consequence: nonsense.
Genome position (GRCh38, 1-based): chr8:86,217,805, G>A on the plus strand (C>T on the coding strand, the complement: SLC7A13 is on the minus strand). VCF-style: chr8-86217805-G-A. GRCh37 (hg19) VCF-style: chr8-87230034-G-A.
Other names: short protein forms R282*.
Identifiers: ClinVar variation 2077033 (VCV002077033.3), dbSNP rs141623545, ClinGen allele CA4797701.

ClinVar aggregate classification (germline): Uncertain significance (1 of 4 stars; one submission).

Allele frequency attached by ClinVar (database versions not stated): ExAC 0.00027; gnomAD 0.00034; ESP Exome Variant Server 0.00038; TOPMed 0.00038.

Submission:

Labcorp Genetics (formerly Invitae), Labcorp
Classification: Uncertain significance. Last evaluated: 2024-12-19. Review status: criteria provided, single submitter. Criteria: Invitae Variant Classification Sherloc (09022015). Collection method: clinical testing. Allele origin: germline.
Comment: This sequence change creates a premature translational stop signal (p.Arg282*) in the SLC7A13 gene. It is expected to result in an absent or disrupted protein product. However, the current clinical and genetic evidence is not sufficient to establish whether loss-of-function variants in SLC7A13 cause disease. This variant is present in population databases (rs141623545, gnomAD 0.07%), and has an allele count higher than expected for a pathogenic variant. This variant has not been reported in the literature in individuals affected with SLC7A13-related conditions. ClinVar contains an entry for this variant (Variation ID: 2077033). Algorithms developed to predict the effect of sequence changes on RNA splicing suggest that this variant may disrupt the consensus splice site. In summary, the available evidence is currently insufficient to determine the role of this variant in disease. Therefore, it has been classified as a Variant of Uncertain Significance.